The following is an entry in ClinVar:

ClinVar aggregate classification (germline): Uncertain significance (1 of 4 stars; one submission).

Allele frequency attached by ClinVar (database versions not stated): gnomAD exomes 0.00001; TOPMed 0.00001; gnomAD 0.00002.
gnomAD v4.1: 23 of 1,612,374 alleles (0.0014%); highest among the groups gnomAD compares: Non-Finnish European, 0.0018%; no homozygotes.

Submission:

Labcorp Genetics (formerly Invitae), Labcorp
Classification: Uncertain significance. Last evaluated: 2021-03-22. Review status: criteria provided, single submitter. Criteria: Invitae Variant Classification Sherloc (09022015). Collection method: clinical testing. Allele origin: germline.
Comment: In summary, the available evidence is currently insufficient to determine the role of this variant in disease. Therefore, it has been classified as a Variant of Uncertain Significance. Algorithms developed to predict the effect of missense changes on protein structure and function are either unavailable or do not agree on the potential impact of this missense change (SIFT: "Tolerated"; PolyPhen-2: "Probably Damaging"; Align-GVGD: "Class C0"). This variant has not been reported in the literature in individuals with ARHGEF10-related conditions. This variant is not present in population databases (ExAC no frequency). This sequence change replaces arginine with histidine at codon 1316 of the ARHGEF10 protein (p.Arg1316His). The arginine residue is moderately conserved and there is a small physicochemical difference between arginine and histidine.

NM_014629.4(ARHGEF10):c.3947G>A (p.Arg1316His)

Gene: ARHGEF10 (Rho guanine nucleotide exchange factor 10; plus strand). Cytogenetic location: 8p23.3.
Variant type: single nucleotide variant.
Coding change: c.3947G>A on transcript NM_014629.4 (MANE Select); coding-DNA position 3947, G replaced by A.
Protein change: p.Arg1316His; replaces arginine 1316 with histidine.
Molecular consequence: missense variant.
Genome position (GRCh38, 1-based): chr8:1,957,175, G>A. VCF-style: chr8-1957175-G-A. GRCh37 (hg19) VCF-style: chr8-1905341-G-A.
Other names: c.3833G>A, p.Arg1278His (NM_001308152.2); c.3947G>A, p.Arg1316His (NM_001308153.3); short protein forms R1278H, R1316H, R1340H.
Identifiers: ClinVar variation 1514248 (VCV001514248.8), dbSNP rs1232283984, ClinGen allele CA369958918.